The following is an entry in ClinVar:

NM_001276345.2(TNNT2):c.861C>A (p.Thr287=)

Gene: TNNT2 (troponin T2, cardiac type; minus strand). Cytogenetic location: 1q32.1.
Variant type: single nucleotide variant.
Coding change: c.861C>A on transcript NM_001276345.2 (MANE Select); coding-DNA position 861, C replaced by A.
Protein change: p.Thr287=; no amino-acid change (threonine 287 retained).
Molecular consequence: synonymous variant.
Genome position (GRCh38, 1-based): chr1:201,359,246, G>T on the plus strand (C>A on the coding strand, the complement: TNNT2 is on the minus strand). VCF-style: chr1-201359246-G-T. GRCh37 (hg19) VCF-style: chr1-201328374-G-T.
Other names: c.852C>A, p.Thr284= (NM_000364.4); c.831C>A, p.Thr277= (NM_001001430.3, NM_001276347.2); c.822C>A, p.Thr274= (NM_001001431.3); c.813C>A, p.Thr271= (NM_001001432.3); c.732C>A, p.Thr244= (NM_001276346.2).
Identifiers: ClinVar variation 537266 (VCV000537266.17), dbSNP rs754211195, ClinGen allele CA089230.

ClinVar aggregate classification (germline): Likely benign. Review status: criteria provided, multiple submitters, no conflicts (2 of 4 stars). 8 submissions from 6 submitters: Likely benign (8). Last evaluated 2025-03-20.

Conditions:
Cardiomyopathy (CMYO). Also called: Cardiomyopathies. Identifiers: Orphanet 167848, MedGen C0878544, MONDO:0004994, HP:0001638. Inheritance: Various modes of inheritance.
Cardiovascular phenotype. Identifiers: MedGen CN230736.
Hypertrophic cardiomyopathy 2. Also called: TNNT2-Related Familial Hypertrophic Cardiomyopathy. Identifiers: MedGen C1861864, MONDO:0007266, OMIM 115195.
Cardiomyopathy, familial restrictive, 3. Identifiers: Orphanet 75249, MedGen C2676271, MONDO:0012900, OMIM 612422.
Dilated cardiomyopathy 1D. Identifiers: Orphanet 154, Orphanet 54260, MedGen C1832243, MONDO:0011095, OMIM 601494.

Allele frequency attached by ClinVar (database versions not stated): gnomAD 0.00001; gnomAD exomes 0.00001; TOPMed 0.00001; ExAC 0.00002.

Submissions (8):

Labcorp Genetics (formerly Invitae), Labcorp
Classification: Likely benign for Cardiomyopathy, familial restrictive, 3; Hypertrophic cardiomyopathy 2; Dilated cardiomyopathy 1D. Last evaluated: 2025-03-20. Review status: criteria provided, single submitter. Criteria: Invitae Variant Classification Sherloc (09022015). Collection method: clinical testing. Allele origin: germline.

All of Us Research Program, National Institutes of Health
Classification: Likely benign for Cardiomyopathy. Last evaluated: 2023-10-02. Review status: criteria provided, single submitter. Criteria: ACMG Guidelines, 2015. Collection method: clinical testing. Allele origin: germline. Inheritance: Autosomal dominant inheritance. Observed: 3 variant alleles, 3 heterozygotes.
Comment: This study involves interpretation of variants in research participants for the purpose of population health screening. Participant phenotype was not available at the time of variant classification. Additional details can be found in publication PMID: 35346344, PMCID: PMC8962531

Genome-Nilou Lab
Classification: Likely benign for Dilated cardiomyopathy 1D. Last evaluated: 2023-04-11. Review status: criteria provided, single submitter. Criteria: ACMG Guidelines, 2015. Collection method: clinical testing. Allele origin: germline. Affected: no.

Genome-Nilou Lab
Classification: Likely benign for Cardiomyopathy, familial restrictive, 3. Last evaluated: 2023-04-11. Review status: criteria provided, single submitter. Criteria: ACMG Guidelines, 2015. Collection method: clinical testing. Allele origin: germline. Affected: no.

Genome-Nilou Lab
Classification: Likely benign for Hypertrophic cardiomyopathy 2. Last evaluated: 2023-04-11. Review status: criteria provided, single submitter. Criteria: ACMG Guidelines, 2015. Collection method: clinical testing. Allele origin: germline. Affected: no.

Ambry Genetics
Classification: Likely benign for Cardiovascular phenotype. Last evaluated: 2020-06-14. Review status: criteria provided, single submitter. Criteria: Ambry Variant Classification Scheme 2023. Collection method: clinical testing. Allele origin: germline.

GeneDx
Classification: Likely benign. Last evaluated: 2019-03-22. Review status: criteria provided, single submitter. Criteria: GeneDx Variant Classification Process June 2021. Collection method: clinical testing. Allele origin: germline. Affected: yes.

Color Diagnostics, LLC DBA Color Health
Classification: Likely benign for Cardiomyopathy. Last evaluated: 2018-11-25. Review status: criteria provided, single submitter. Criteria: ACMG Guidelines, 2015. Collection method: clinical testing. Allele origin: germline.